The following is an entry in ClinVar:

ClinVar aggregate classification (germline): Benign/Likely benign. Review status: criteria provided, multiple submitters, no conflicts (2 of 4 stars). 10 submissions from 10 submitters: Benign (7); Likely benign (1). 2 of the submissions do not count toward it. Last evaluated 2024-11-28.

Conditions:
Spinocerebellar ataxia type 14 (SCA14). Identifiers: Orphanet 98763, MedGen C1854369, MONDO:0011540, OMIM 605361.

Allele frequency attached by ClinVar (database versions not stated): 1000 Genomes Project 30x 0.32464; 1000 Genomes Project 0.32947; ESP Exome Variant Server 0.34607; TOPMed 0.35189; gnomAD 0.35855 and 0.36071.
gnomAD v4.1: 655,887 of 1,613,570 alleles (41%); highest among the groups gnomAD compares: Admixed American, 45%; 135,641 homozygotes.

Submissions (10):

Blueprint Genetics
Classification: Likely benign. Last evaluated: 2024-11-28. Review status: criteria provided, single submitter. Criteria: ACMG Guidelines, 2015. Collection method: clinical testing. Allele origin: germline.

Genome-Nilou Lab
Classification: Benign for Spinocerebellar ataxia type 14. Last evaluated: 2021-10-25. Review status: criteria provided, single submitter. Criteria: ACMG Guidelines, 2015. Collection method: clinical testing. Allele origin: germline. Affected: no.

GeneDx
Classification: Benign. Last evaluated: 2019-09-25. Review status: criteria provided, single submitter. Criteria: GeneDx Variant Classification Process June 2021. Collection method: clinical testing. Allele origin: germline. Affected: yes.

Illumina Laboratory Services, Illumina
Classification: Benign for Spinocerebellar ataxia type 14. Last evaluated: 2018-01-12. Review status: criteria provided, single submitter. Criteria: ICSL Variant Classification Criteria 13 December 2019. Collection method: clinical testing. Allele origin: germline.
Comment: This variant was observed in the ICSL laboratory as part of a predisposition screen in an ostensibly healthy population. It had not been previously curated by ICSL or reported in the Human Gene Mutation Database (HGMD: prior to June 1st, 2018), and was therefore a candidate for classification through an automated scoring system. Utilizing variant allele frequency, disease prevalence and penetrance estimates, and inheritance mode, an automated score was calculated to assess if this variant is too frequent to cause the disease. Based on the score and internal cut-off values, a variant classified as benign is not then subjected to further curation. The score for this variant resulted in a classification of benign for this disease.

Mayo Clinic Laboratories, Mayo Clinic
Classification: Benign. Last evaluated: 2017-07-24. Review status: criteria provided, single submitter. Criteria: ACMG Guidelines, 2015. Collection method: clinical testing. Allele origin: germline. Observed: 889 variant alleles.

Athena Diagnostics
Classification: Benign. Last evaluated: 2017-07-12. Review status: criteria provided, single submitter. Criteria: Athena Diagnostics Criteria. Collection method: clinical testing. Allele origin: germline.

Clinical Genetics DNA and cytogenetics Diagnostics Lab, Erasmus MC, Erasmus Medical Center
Classification: Benign for Spinocerebellar ataxia type 14. Last evaluated: 2015-09-21. Review status: criteria provided, single submitter. Criteria: ACGS Guidelines, 2013. Collection method: clinical testing. Allele origin: germline. Affected: yes. Study: VKGL Data-share Consensus.

Breakthrough Genomics
Classification: Benign. Review status: criteria provided, single submitter. Criteria: ACMG Guidelines, 2015. Collection method: not provided. Allele origin: germline. Inheritance: Autosomal dominant inheritance. Affected: yes.

Diagnostic Laboratory, Department of Genetics, University Medical Center Groningen
Classification: Benign for Spinocerebellar ataxia type 14. Review status: no assertion criteria provided. Collection method: clinical testing. Allele origin: germline. Affected: yes. Study: VKGL Data-share Consensus. Not counted in ClinVar's aggregate classification.

Genetic Services Laboratory, University of Chicago
Classification: Likely benign for AllHighlyPenetrant. Review status: no assertion criteria provided. Collection method: clinical testing. Allele origin: germline. Inheritance: Autosomal dominant inheritance. Not counted in ClinVar's aggregate classification.
Comment: Likely benign based on allele frequency in 1000 Genomes Project or ESP global frequency and its presence in a patient with a rare or unrelated disease phenotype. NOT Sanger confirmed.

Literature cited by the submitters: PubMed 16649092 (cited by Athena Diagnostics); PubMed 16193476 (cited by Athena Diagnostics); PubMed 9545390 (cited by Athena Diagnostics).

NM_002739.5(PRKCG):c.567T>C (p.Asn189=)

Gene: PRKCG (protein kinase C gamma; plus strand). Cytogenetic location: 19q13.42.
Variant type: single nucleotide variant.
Coding change: c.567T>C on transcript NM_002739.5 (MANE Select); coding-DNA position 567, T replaced by C.
Protein change: p.Asn189=; no amino-acid change (asparagine 189 retained).
Molecular consequence: synonymous variant.
Genome position (GRCh38, 1-based): chr19:53,891,711, T>C. VCF-style: chr19-53891711-T-C. GRCh37 (hg19) VCF-style: chr19-54394965-T-C.
Other names: p.Asn189=; c.567T>C (LRG_669t1); c.567T>C, p.Asn189= (NM_001316329.2).
Identifiers: ClinVar variation 130036 (VCV000130036.17), dbSNP rs3745406, ClinGen allele CA154779.